The following is an entry in ClinVar:

ClinVar aggregate classification (germline): Likely benign (1 of 4 stars; one submission).

Submission:

Mayo Clinic Laboratories, Mayo Clinic
Classification: Likely benign. Last evaluated: 2024-11-12. Review status: criteria provided, single submitter. Criteria: ACMG Guidelines, 2015. Collection method: clinical testing. Allele origin: germline. Observed: 1 variant allele.
Comment: BP4, BP7, PM2_supporting

NM_000298.6(PKLR):c.1269+9T>G

Gene: PKLR (pyruvate kinase L/R; minus strand). Cytogenetic location: 1q22.
Variant type: single nucleotide variant.
Coding change: c.1269+9T>G on transcript NM_000298.6 (MANE Select); 9 bases into the intron after coding-DNA position 1269, T replaced by G.
Molecular consequence: intron variant.
Genome position (GRCh38, 1-based): chr1:155,293,429, A>C on the plus strand (T>G on the coding strand, the complement: PKLR is on the minus strand). VCF-style: chr1-155293429-A-C. GRCh37 (hg19) VCF-style: chr1-155263220-A-C.
Other names: p.?; c.1176+9T>G (NM_181871.4).
Identifiers: ClinVar variation 4683495 (VCV004683495.1).